The following is an entry in ClinVar:

ClinVar aggregate classification (germline): Pathogenic (1 of 4 stars; one submission).

Submission:

Labcorp Genetics (formerly Invitae), Labcorp
Classification: Pathogenic. Last evaluated: 2023-03-20. Review status: criteria provided, single submitter. Criteria: Invitae Variant Classification Sherloc (09022015). Collection method: clinical testing. Allele origin: germline.
Comment: This variant has not been reported in the literature in individuals affected with USH2A-related conditions. For these reasons, this variant has been classified as Pathogenic. This variant is not present in population databases (gnomAD no frequency). This sequence change creates a premature translational stop signal (p.Ser1204*) in the USH2A gene. It is expected to result in an absent or disrupted protein product. Loss-of-function variants in USH2A are known to be pathogenic (PMID: 10729113, 10909849, 20507924, 25649381).

Literature cited by the submitters: PubMed 10729113; PubMed 10909849; PubMed 20507924; PubMed 25649381.

NM_206933.4(USH2A):c.3611del (p.Thr1203_Ser1204insTer)

Genes: USH2A (usherin; minus strand), USH2A-AS1 (USH2A antisense RNA 1; plus strand). Cytogenetic location: 1q41.
Variant type: Deletion.
Coding change: c.3611del on transcript NM_206933.4 (MANE Select); coding-DNA position 3611, one base deleted (C; older notation c.3611delC).
Protein change: p.Thr1203_Ser1204insTer.
Molecular consequence: nonsense.
Genome position (GRCh38, 1-based): chr1:216,199,827, G deleted on the plus strand (C on the coding strand, the reverse complement: USH2A is on the minus strand). VCF-style (leftmost placement, unchanged base first): chr1-216199826-TG-T. GRCh37 (hg19) VCF-style: chr1-216373168-TG-T.
Other names: c.3611del, p.Thr1203_Ser1204insTer (NM_007123.6).
Identifiers: ClinVar variation 2847645 (VCV002847645.3), dbSNP rs2528046144, ClinGen allele CA2739275647.
Genomic context (GRCh38, chr1:216,199,826, plus strand): 5'-AGTACACGCCTGTACAGAAAAATCGTACTTGGCAAATGGAACCAGATTCCAGATGGTAGC[TG>T]AGGTTTCATGACCTTCGTAGGAAACACATGGCTGACCACCAGCCAAAGGGGCACAGGACA-3'